The following is an entry in ClinVar:

ClinVar aggregate classification (germline): Uncertain significance. Review status: criteria provided, multiple submitters, no conflicts (2 of 4 stars). 2 submissions from 2 submitters: Uncertain significance (2). Last evaluated 2025-08-02.

Conditions:
Hereditary spastic paraplegia 11. Also called: SPASTIC PARAPLEGIA, AUTOSOMAL RECESSIVE, COMPLICATED, WITH THIN CORPUS CALLOSUM; SPASTIC PARAPLEGIA, AUTOSOMAL RECESSIVE, WITH MENTAL IMPAIRMENT AND THIN CORPUS CALLOSUM; Spastic Paraplegia 11; Nakamura Osame syndrome; Autosomal recessive hereditary spastic paraplegia, mental impairment, and thin corpus callosum; Spastic paraplegia, mental retardation and thin corpus callosum. Identifiers: Orphanet 2822, MedGen C1858479, MONDO:0011445, OMIM 604360.
Inborn genetic diseases. Identifiers: MedGen C0950123, MeSH D030342.

Allele frequency attached by ClinVar (database versions not stated): gnomAD exomes below 0.00001.
gnomAD v4.1: 2 of 1,614,204 alleles (0.00012%); highest among the groups gnomAD compares: Non-Finnish European, 0.000085%; no homozygotes.

Submissions (2):

Ambry Genetics
Classification: Uncertain significance for Inborn genetic diseases. Last evaluated: 2025-08-02. Review status: criteria provided, single submitter. Criteria: Ambry Variant Classification Scheme 2023. Collection method: clinical testing. Allele origin: germline.

Labcorp Genetics (formerly Invitae), Labcorp
Classification: Uncertain significance for Hereditary spastic paraplegia 11. Last evaluated: 2022-03-25. Review status: criteria provided, single submitter. Criteria: Invitae Variant Classification Sherloc (09022015). Collection method: clinical testing. Allele origin: germline.
Comment: This sequence change replaces asparagine, which is neutral and polar, with aspartic acid, which is acidic and polar, at codon 1285 of the SPG11 protein (p.Asn1285Asp). In summary, the available evidence is currently insufficient to determine the role of this variant in disease. Therefore, it has been classified as a Variant of Uncertain Significance. Algorithms developed to predict the effect of missense changes on protein structure and function output the following: SIFT: "Tolerated"; PolyPhen-2: "Possibly Damaging"; Align-GVGD: "Class C0". The aspartic acid amino acid residue is found in multiple mammalian species, which suggests that this missense change does not adversely affect protein function. ClinVar contains an entry for this variant (Variation ID: 641508). This variant has not been reported in the literature in individuals affected with SPG11-related conditions. This variant is present in population databases (no rsID available, gnomAD 0.0009%).

NM_025137.4(SPG11):c.3853A>G (p.Asn1285Asp)

Gene: SPG11 (SPG11 vesicle trafficking associated, spatacsin; minus strand). Cytogenetic location: 15q21.1.
Variant type: single nucleotide variant.
Coding change: c.3853A>G on transcript NM_025137.4 (MANE Select); coding-DNA position 3853, A replaced by G.
Protein change: p.Asn1285Asp; replaces asparagine 1285 with aspartic acid.
Molecular consequence: missense variant.
Genome position (GRCh38, 1-based): chr15:44,598,670, T>C on the plus strand (A>G on the coding strand, the complement: SPG11 is on the minus strand). VCF-style: chr15-44598670-T-C. GRCh37 (hg19) VCF-style: chr15-44890868-T-C.
Other names: c.3853A>G, p.Asn1285Asp (NM_001160227.2); short protein forms N1285D.
Identifiers: ClinVar variation 641508 (VCV000641508.7), dbSNP rs1422320754, ClinGen allele CA392229998.
Genomic context (GRCh38, chr15:44,598,670, plus strand): 5'-GCCAGATAAAAGGTGCTGTACCTACAGACTCTCTGATAAAGCTGTACTGAGCATCTTCAT[T>C]TCTGCACTTGTAGCTCAAAATTATATTGGCCACTTTCATATCAACTCTGAGCTTGAGGCT-3'
Protein context (NP_079413.3, residues 1275-1295): ANIILSYKCR[Asn1285Asp]EDAQYSFIRE